The following is an entry in ClinVar:

ClinVar aggregate classification (germline): Benign (0 of 4 stars; one submission).

Conditions:
IQCE-related disorder. Also called: IQCE-related condition.

Allele frequency attached by ClinVar (database versions not stated): 1000 Genomes Project 0.10224; 1000 Genomes Project 30x 0.10290; gnomAD 0.12405; TOPMed 0.12730; gnomAD exomes 0.14510; ExAC 0.16694.
gnomAD v4.1: 199,106 of 1,396,890 alleles (14%); highest among the groups gnomAD compares: Admixed American, 17%; 14,557 homozygotes.

Submission:

PreventionGenetics, part of Exact Sciences
Classification: Benign for IQCE-related condition. Last evaluated: 2019-10-21. Review status: no assertion criteria provided. Collection method: clinical testing. Allele origin: germline.
Comment: This variant is classified as benign based on ACMG/AMP sequence variant interpretation guidelines (Richards et al. 2015 PMID: 25741868, with internal and published modifications).

NM_152558.5(IQCE):c.1969+146G>A

Gene: IQCE (IQ motif containing E; plus strand). Cytogenetic location: 7p22.3.
Variant type: single nucleotide variant.
Coding change: c.1969+146G>A on transcript NM_152558.5 (MANE Select); 146 bases into the intron after coding-DNA position 1969, G replaced by A.
Molecular consequence: intron variant. On other transcripts: 3 prime UTR variant (3).
Genome position (GRCh38, 1-based): chr7:2,607,373, G>A. VCF-style: chr7-2607373-G-A. GRCh37 (hg19) VCF-style: chr7-2647007-G-A.
Other names: c.*6G>A (NM_001287499.2, NM_001287500.2, NM_001287502.2); c.1921+146G>A (NM_001410865.1); c.1774+146G>A (NM_001287501.2).
Identifiers: ClinVar variation 3059534 (VCV003059534.2), dbSNP rs17833498, ClinGen allele CA4129607.